The following is an entry in ClinVar:

ClinVar aggregate classification (germline): Uncertain significance. Review status: criteria provided, single submitter (1 of 4 stars). 2 submissions from 2 submitters: Uncertain significance (1). 1 of the submissions does not count toward it. Last evaluated 2022-06-20.

Conditions:
ELN-related disorder.
Supravalvar aortic stenosis (SVAS). Also called: Supravalvar aortic stenosis, Eisenberg type. Identifiers: Orphanet 3193, MedGen C0003499, MONDO:0008504, OMIM 185500, HP:0004381.

Allele frequency attached by ClinVar (database versions not stated): gnomAD 0.00001; ExAC 0.00002; gnomAD exomes 0.00002; TOPMed 0.00002.
gnomAD v4.1: 4 of 1,613,966 alleles (0.00025%); highest among the groups gnomAD compares: Admixed American, 0.0033%; no homozygotes.

Submissions (2):

Labcorp Genetics (formerly Invitae), Labcorp
Classification: Uncertain significance for Supravalvar aortic stenosis. Last evaluated: 2022-06-20. Review status: criteria provided, single submitter. Criteria: Invitae Variant Classification Sherloc (09022015). Collection method: clinical testing. Allele origin: germline.
Comment: This sequence change replaces proline, which is neutral and non-polar, with arginine, which is basic and polar, at codon 38 of the ELN protein (p.Pro38Arg). This variant is present in population databases (rs781951450, gnomAD 0.009%). This variant has not been reported in the literature in individuals affected with ELN-related conditions. ClinVar contains an entry for this variant (Variation ID: 1009250). Algorithms developed to predict the effect of missense changes on protein structure and function are either unavailable or do not agree on the potential impact of this missense change (SIFT: "Tolerated"; PolyPhen-2: "Not Available"; Align-GVGD: "Class C0"). In summary, the available evidence is currently insufficient to determine the role of this variant in disease. Therefore, it has been classified as a Variant of Uncertain Significance.

PreventionGenetics, part of Exact Sciences
Classification: Uncertain significance for ELN-related condition. Last evaluated: 2024-02-04. Review status: no assertion criteria provided. Collection method: clinical testing. Allele origin: germline. Not counted in ClinVar's aggregate classification.
Comment: The ELN c.113C>G variant is predicted to result in the amino acid substitution p.Pro38Arg. To our knowledge, this variant has not been reported in the literature. This variant is reported in 0.012% of alleles in individuals of Latino descent in gnomAD. At this time, the clinical significance of this variant is uncertain due to the absence of conclusive functional and genetic evidence.

NM_000501.4(ELN):c.113C>G (p.Pro38Arg)

Gene: ELN (elastin; plus strand). Cytogenetic location: 7q11.23.
Variant type: single nucleotide variant.
Coding change: c.113C>G on transcript NM_000501.4 (MANE Select); coding-DNA position 113, C replaced by G.
Protein change: p.Pro38Arg; replaces proline 38 with arginine.
Molecular consequence: missense variant.
Genome position (GRCh38, 1-based): chr7:74,035,394, C>G. VCF-style: chr7-74035394-C-G. GRCh37 (hg19) VCF-style: chr7-73449724-C-G.
Other names: c.113C>G, p.Pro38Arg (NM_001081752.3, NM_001081753.3, NM_001081754.3 and 9 more transcripts); c.113C>G (NM_000501.3); short protein forms P38R.
Identifiers: ClinVar variation 1009250 (VCV001009250.7), dbSNP rs781951450, ClinGen allele CA4292262.
Genomic context (GRCh38, chr7:74,035,394, plus strand): 5'-GGAGGACTGACTCTACCTGTTTCCTTTCAGGGGTCCCTGGGGCCATTCCTGGTGGAGTTC[C>G]TGGAGGAGTCTTTTATCCAGGTAACGTACATGAAACTTCCACACACCCAGGTCATGCGGA-3'
Protein context (NP_000492.2, residues 28-48): GVPGAIPGGV[Pro38Arg]GGVFYPGAGL